The following is an entry in ClinVar:

ClinVar aggregate classification (germline): Uncertain significance (1 of 4 stars; one submission).

Conditions:
Hereditary cancer-predisposing syndrome. Also called: Hereditary neoplastic syndrome; Hereditary Cancer Syndrome; Neoplastic Syndromes, Hereditary; Tumor predisposition. Identifiers: Orphanet 140162, MedGen C0027672, MeSH D009386, MONDO:0015356.

Submission:

Ambry Genetics
Classification: Uncertain significance for Hereditary cancer-predisposing syndrome. Last evaluated: 2023-04-21. Review status: criteria provided, single submitter. Criteria: Ambry Variant Classification Scheme 2023. Collection method: clinical testing. Allele origin: germline.
Comment: The p.G508S variant (also known as c.1522G>A), located in coding exon 10 of the FH gene, results from a G to A substitution at nucleotide position 1522. The glycine at codon 508 is replaced by serine, an amino acid with similar properties. This amino acid position is highly conserved in available vertebrate species. In addition, the in silico prediction for this alteration is inconclusive. Since supporting evidence is limited at this time, the clinical significance of this alteration remains unclear.

NM_000143.4(FH):c.1522G>A (p.Gly508Ser)

Gene: FH (fumarate hydratase; minus strand). Cytogenetic location: 1q43.
Variant type: single nucleotide variant.
Coding change: c.1522G>A on transcript NM_000143.4 (MANE Select); coding-DNA position 1522, G replaced by A.
Protein change: p.Gly508Ser; replaces glycine 508 with serine.
Molecular consequence: missense variant.
Genome position (GRCh38, 1-based): chr1:241,497,839, C>T on the plus strand (G>A on the coding strand, the complement: FH is on the minus strand). VCF-style: chr1-241497839-C-T. GRCh37 (hg19) VCF-style: chr1-241661139-C-T.
Other names: short protein forms G508S.
Identifiers: ClinVar variation 2567075 (VCV002567075.2), dbSNP rs1659661545, ClinGen allele CA345449998.